The following is an entry in ClinVar:

ClinVar aggregate classification (germline): Uncertain significance. Review status: criteria provided, multiple submitters, no conflicts (2 of 4 stars). 3 submissions from 3 submitters: Uncertain significance (3). Last evaluated 2025-01-07.

Conditions:
Familial hemophagocytic lymphohistiocytosis 5. Also called: STXBP2-Related Familial Hemophagocytic Lymphohistiocytosis (STXBP2-fHLH). Identifiers: Orphanet 540, MedGen C2751293, MONDO:0013135, OMIM 613101.
Inborn genetic diseases. Identifiers: MedGen C0950123, MeSH D030342.

Allele frequency attached by ClinVar (database versions not stated): gnomAD exomes below 0.00001 and 0.00001; TOPMed below 0.00001.
gnomAD v4.1: 7 of 1,611,626 alleles (0.00043%); highest among the groups gnomAD compares: Admixed American, 0.0033%; no homozygotes.

Submissions (3):

Labcorp Genetics (formerly Invitae), Labcorp
Classification: Uncertain significance for Familial hemophagocytic lymphohistiocytosis 5. Last evaluated: 2025-01-07. Review status: criteria provided, single submitter. Criteria: Invitae Variant Classification Sherloc (09022015). Collection method: clinical testing. Allele origin: germline.
Comment: This sequence change replaces alanine, which is neutral and non-polar, with threonine, which is neutral and polar, at codon 503 of the STXBP2 protein (p.Ala503Thr). This variant is present in population databases (rs374882127, gnomAD 0.003%). This variant has not been reported in the literature in individuals affected with STXBP2-related conditions. ClinVar contains an entry for this variant (Variation ID: 1375045). Invitae Evidence Modeling of protein sequence and biophysical properties (such as structural, functional, and spatial information, amino acid conservation, physicochemical variation, residue mobility, and thermodynamic stability) indicates that this missense variant is not expected to disrupt STXBP2 protein function with a negative predictive value of 95%. In summary, the available evidence is currently insufficient to determine the role of this variant in disease. Therefore, it has been classified as a Variant of Uncertain Significance.

Ambry Genetics
Classification: Uncertain significance for Inborn genetic diseases. Last evaluated: 2024-03-28. Review status: criteria provided, single submitter. Criteria: Ambry Variant Classification Scheme 2023. Collection method: clinical testing. Allele origin: germline.

Breakthrough Genomics
Classification: Uncertain significance. Review status: criteria provided, single submitter. Criteria: ACMG Guidelines, 2015. Collection method: not provided. Allele origin: germline. Inheritance: Autosomal recessive inheritance. Affected: yes.

NM_006949.4(STXBP2):c.1507G>A (p.Ala503Thr)

Gene: STXBP2 (syntaxin binding protein 2; plus strand). Cytogenetic location: 19p13.2.
Variant type: single nucleotide variant.
Coding change: c.1507G>A on transcript NM_006949.4 (MANE Select); coding-DNA position 1507, G replaced by A.
Protein change: p.Ala503Thr; replaces alanine 503 with threonine.
Molecular consequence: missense variant. On other transcripts: non-coding transcript variant (1).
Genome position (GRCh38, 1-based): chr19:7,647,216, G>A. VCF-style: chr19-7647216-G-A. GRCh37 (hg19) VCF-style: chr19-7712102-G-A.
Other names: c.1498G>A, p.Ala500Thr (NM_001127396.3); c.1540G>A, p.Ala514Thr (NM_001272034.2); c.1507G>A (NM_006949.2); short protein forms A503T, A500T, A514T.
Identifiers: ClinVar variation 1375045 (VCV001375045.8), dbSNP rs374882127, ClinGen allele CA304912368.
Genomic context (GRCh38, chr19:7,647,216, plus strand): 5'-CGCCAGGACGCCGTGGAGGACCGGCTGGACAGGAACCTGTGGCCCTTCGTATCCGACCCC[G>A]CCCCCACGGCCAGCTCCCAGGCCGCTGTCAGGTGAGGCCCCGGGGCCGCCCCCGCCCACG-3'
Protein context (NP_008880.2, residues 493-513): RNLWPFVSDP[Ala503Thr]PTASSQAAVS